The following is an entry in ClinVar:

NM_003119.4(SPG7):c.1387G>A (p.Gly463Ser)

Gene: SPG7 (SPG7 matrix AAA peptidase subunit, paraplegin; plus strand). Cytogenetic location: 16q24.3.
Variant type: single nucleotide variant.
Coding change: c.1387G>A on transcript NM_003119.4 (MANE Select); coding-DNA position 1387, G replaced by A.
Protein change: p.Gly463Ser; replaces glycine 463 with serine.
Molecular consequence: missense variant.
Genome position (GRCh38, 1-based): chr16:89,544,710, G>A. VCF-style: chr16-89544710-G-A. GRCh37 (hg19) VCF-style: chr16-89611118-G-A.
Other names: c.1387G>A, p.Gly463Ser (NM_001363850.1); short protein forms G463S.
Identifiers: ClinVar variation 2075455 (VCV002075455.2), dbSNP rs375418325, ClinGen allele CA8244161.

ClinVar aggregate classification (germline): Uncertain significance (1 of 4 stars; one submission).

Conditions:
Hereditary spastic paraplegia 7 (SPG7). Also called: Spastic paraplegia 7; Hereditary spastic paraplegia Paraplegin type; SPG7-related neurologic disorder; SPASTIC PARAPLEGIA 7, AUTOSOMAL RECESSIVE, WITH OR WITHOUT CEREBELLAR ATAXIA; Autosomal recessive spastic paraplegia type 7. Identifiers: Orphanet 99013, MedGen C1846564, MONDO:0011803, OMIM 607259.

Allele frequency attached by ClinVar (database versions not stated): ExAC 0.00001; gnomAD 0.00001; TOPMed 0.00002; ESP Exome Variant Server 0.00008.
gnomAD v4.1: 8 of 1,613,970 alleles (0.0005%); highest among the groups gnomAD compares: African/African-American, 0.0027%; no homozygotes.

Submission:

Labcorp Genetics (formerly Invitae), Labcorp
Classification: Uncertain significance for Hereditary spastic paraplegia 7. Last evaluated: 2022-03-23. Review status: criteria provided, single submitter. Criteria: Invitae Variant Classification Sherloc (09022015). Collection method: clinical testing. Allele origin: germline.
Comment: In summary, the available evidence is currently insufficient to determine the role of this variant in disease. Therefore, it has been classified as a Variant of Uncertain Significance. Advanced modeling of protein sequence and biophysical properties (such as structural, functional, and spatial information, amino acid conservation, physicochemical variation, residue mobility, and thermodynamic stability) performed at Invitae indicates that this missense variant is not expected to disrupt SPG7 protein function. This variant has not been reported in the literature in individuals affected with SPG7-related conditions. This variant is present in population databases (rs375418325, gnomAD 0.007%). This sequence change replaces glycine, which is neutral and non-polar, with serine, which is neutral and polar, at codon 463 of the SPG7 protein (p.Gly463Ser).